The following is an entry in ClinVar:

NM_000088.4(COL1A1):c.2181G>A (p.Gln727=)

Gene: COL1A1 (collagen type I alpha 1 chain; minus strand). Cytogenetic location: 17q21.33.
Variant type: single nucleotide variant.
Coding change: c.2181G>A on transcript NM_000088.4 (MANE Select); coding-DNA position 2181, G replaced by A.
Protein change: p.Gln727=; no amino-acid change (glutamine 727 retained).
Molecular consequence: synonymous variant.
Genome position (GRCh38, 1-based): chr17:50,191,437, C>T on the plus strand (G>A on the coding strand, the complement: COL1A1 is on the minus strand). VCF-style: chr17-50191437-C-T. GRCh37 (hg19) VCF-style: chr17-48268798-C-T.
Other names: p.Gln727=.
Identifiers: ClinVar variation 390191 (VCV000390191.15), dbSNP rs777571745, ClinGen allele CA8644908.

ClinVar aggregate classification (germline): Likely benign. Review status: criteria provided, multiple submitters, no conflicts (2 of 4 stars). 6 submissions from 6 submitters: Likely benign (6). Last evaluated 2026-09-23.

Conditions:
Cardiovascular phenotype. Identifiers: MedGen CN230736.
Osteogenesis imperfecta type I (OI1). Also called: Osteogenesis imperfecta type 1; Classic Non-deforming Osteogenesis Imperfecta with Blue Sclerae; OI, TYPE I; OSTEOGENESIS IMPERFECTA TARDA; OSTEOGENESIS IMPERFECTA WITH BLUE SCLERAE; Lobstein disease. Identifiers: Orphanet 216796, Orphanet 666, MedGen C0023931, MONDO:0008146, OMIM 166200. Disease mechanism: loss of function.
COL1A1-related disorder. Also called: COL1A1- related disease; COL1A1-related condition.

Allele frequency attached by ClinVar (database versions not stated): ExAC 0.00001; gnomAD 0.00001; gnomAD exomes 0.00001 and 0.00004; TOPMed 0.00003.
gnomAD v4.1: 53 of 1,613,896 alleles (0.0033%); highest among the groups gnomAD compares: Middle Eastern, 0.016%; no homozygotes.

Submissions (6):

PreventionGenetics, part of Exact Sciences
Classification: Likely benign for COL1A1-related condition. Last evaluated: 2026-09-23. Review status: criteria provided, single submitter. Criteria: ACMG Guidelines, 2015. Collection method: clinical testing. Allele origin: germline.
Comment: This variant is classified as likely benign based on ACMG/AMP sequence variant interpretation guidelines (Richards et al. 2015 PMID: 25741868, with internal and published modifications).

Mayo Clinic Laboratories, Mayo Clinic
Classification: Likely benign. Last evaluated: 2025-10-08. Review status: criteria provided, single submitter. Criteria: ACMG Guidelines, 2015. Collection method: clinical testing. Allele origin: germline. Observed: 2 variant alleles.
Comment: BP4, BP7

Women's Health and Genetics/Laboratory Corporation of America, LabCorp
Classification: Likely benign. Last evaluated: 2025-07-15. Review status: criteria provided, single submitter. Criteria: LabCorp Variant Classification Summary - May 2015. Collection method: clinical testing. Allele origin: germline.

Labcorp Genetics (formerly Invitae), Labcorp
Classification: Likely benign for Osteogenesis imperfecta type I. Last evaluated: 2025-05-29. Review status: criteria provided, single submitter. Criteria: Invitae Variant Classification Sherloc (09022015). Collection method: clinical testing. Allele origin: germline.

Ambry Genetics
Classification: Likely benign for Cardiovascular phenotype. Last evaluated: 2021-03-13. Review status: criteria provided, single submitter. Criteria: Ambry Variant Classification Scheme 2023. Collection method: clinical testing. Allele origin: germline.

GeneDx
Classification: Likely benign. Last evaluated: 2020-12-18. Review status: criteria provided, single submitter. Criteria: GeneDx Variant Classification Process June 2021. Collection method: clinical testing. Allele origin: germline. Affected: yes.